The following is an entry in ClinVar:

NM_007289.4(MME):c.1199G>C (p.Gly400Ala)

Gene: MME (membrane metalloendopeptidase; plus strand). Cytogenetic location: 3q25.2.
Variant type: single nucleotide variant.
Coding change: c.1199G>C on transcript NM_007289.4 (MANE Select); coding-DNA position 1199, G replaced by C.
Protein change: p.Gly400Ala; replaces glycine 400 with alanine.
Molecular consequence: missense variant.
Genome position (GRCh38, 1-based): chr3:155,143,453, G>C. VCF-style: chr3-155143453-G-C. GRCh37 (hg19) VCF-style: chr3-154861242-G-C.
Other names: c.1199G>C, p.Gly400Ala (NM_000902.5, NM_001354642.2, NM_001354643.1 and 2 more transcripts); short protein forms G400A.
Identifiers: ClinVar variation 1375884 (VCV001375884.6), dbSNP rs2108315212, ClinGen allele CA355130277.

ClinVar aggregate classification (germline): Uncertain significance (1 of 4 stars; one submission).

Submission:

Labcorp Genetics (formerly Invitae), Labcorp
Classification: Uncertain significance. Last evaluated: 2021-08-18. Review status: criteria provided, single submitter. Criteria: Invitae Variant Classification Sherloc (09022015). Collection method: clinical testing. Allele origin: germline.
Comment: This sequence change replaces glycine with alanine at codon 400 of the MME protein (p.Gly400Ala). The glycine residue is highly conserved and there is a small physicochemical difference between glycine and alanine. This variant is not present in population databases (ExAC no frequency). This variant has not been reported in the literature in individuals affected with MME-related conditions. Algorithms developed to predict the effect of missense changes on protein structure and function (SIFT, PolyPhen-2, Align-GVGD) all suggest that this variant is likely to be disruptive. In summary, the available evidence is currently insufficient to determine the role of this variant in disease. Therefore, it has been classified as a Variant of Uncertain Significance.